The following is an entry in ClinVar:

NM_001099922.3(ALG13):c.1301A>G (p.Tyr434Cys)

Gene: ALG13 (ALG13 UDP-N-acetylglucosaminyltransferase subunit; plus strand). Cytogenetic location: Xq23.
Variant type: single nucleotide variant.
Coding change: c.1301A>G on transcript NM_001099922.3 (MANE Select); coding-DNA position 1301, A replaced by G.
Protein change: p.Tyr434Cys; replaces tyrosine 434 with cysteine.
Molecular consequence: missense variant. On other transcripts: non-coding transcript variant (1).
Genome position (GRCh38, 1-based): chrX:111,720,145, A>G. VCF-style: chrX-111720145-A-G. GRCh37 (hg19) VCF-style: chrX-110963373-A-G.
Other names: c.989A>G, p.Tyr330Cys (NM_001257230.2, NM_001257234.2, NM_001257237.2 and 1 more transcripts); c.1067A>G, p.Tyr356Cys (NM_001257231.2); c.1301A>G, p.Tyr434Cys (NM_001324292.2); short protein forms Y330C, Y356C, Y434C.
Identifiers: ClinVar variation 3391641 (VCV003391641.1).
Genomic context (GRCh38, chrX:111,720,145, plus strand): 5'-TTTGAATTAGGATGGAAGAGTGGGGTGCCTGCTACAATGCTGAAAATATACCAGAGGGCT[A>G]CAATAAAGGAACAGAAGAAACAAAGGTTTGATATTTTCTAAGGCAAAGAATTTTCATAGT-3'
Protein context (NP_001093392.1, residues 424-444): CYNAENIPEG[Tyr434Cys]NKGTEETKSP

ClinVar aggregate classification (germline): Uncertain significance (1 of 4 stars; one submission).

gnomAD v4.1: 5 of 1,189,841 alleles (0.00042%); highest among the groups gnomAD compares: Non-Finnish European, 0.00057%; no homozygotes.

Submission:

GeneDx
Classification: Uncertain significance. Last evaluated: 2024-06-17. Review status: criteria provided, single submitter. Criteria: GeneDx Variant Classification Process June 2021. Collection method: clinical testing. Allele origin: germline. Affected: yes.
Comment: In silico analysis indicates that this missense variant does not alter protein structure/function; Has not been previously published as pathogenic or benign to our knowledge